The following is an entry in ClinVar:

ClinVar aggregate classification (germline): Uncertain significance (1 of 4 stars; one submission).

Allele frequency attached by ClinVar (database versions not stated): gnomAD exomes below 0.00001; ExAC 0.00001; gnomAD 0.00001.
gnomAD v4.1: 7 of 1,613,066 alleles (0.00043%); highest among the groups gnomAD compares: African/African-American, 0.0067%; no homozygotes.

Submission:

Labcorp Genetics (formerly Invitae), Labcorp
Classification: Uncertain significance. Last evaluated: 2022-03-10. Review status: criteria provided, single submitter. Criteria: Invitae Variant Classification Sherloc (09022015). Collection method: clinical testing. Allele origin: germline.
Comment: In summary, the available evidence is currently insufficient to determine the role of this variant in disease. Therefore, it has been classified as a Variant of Uncertain Significance. Algorithms developed to predict the effect of missense changes on protein structure and function (SIFT, PolyPhen-2, Align-GVGD) all suggest that this variant is likely to be tolerated. This variant has not been reported in the literature in individuals affected with MPDZ-related conditions. This variant is present in population databases (rs764453158, gnomAD 0.007%). This sequence change replaces proline, which is neutral and non-polar, with alanine, which is neutral and non-polar, at codon 690 of the MPDZ protein (p.Pro690Ala).

NM_001378778.1(MPDZ):c.2068C>G (p.Pro690Ala)

Gene: MPDZ (multiple PDZ domain crumbs cell polarity complex component; minus strand). Cytogenetic location: 9p23.
Variant type: single nucleotide variant.
Coding change: c.2068C>G on transcript NM_001378778.1 (MANE Select); coding-DNA position 2068, C replaced by G.
Protein change: p.Pro690Ala; replaces proline 690 with alanine.
Molecular consequence: missense variant.
Genome position (GRCh38, 1-based): chr9:13,190,200, G>C on the plus strand (C>G on the coding strand, the complement: MPDZ is on the minus strand). VCF-style: chr9-13190200-G-C. GRCh37 (hg19) VCF-style: chr9-13190199-G-C.
Other names: c.2068C>G, p.Pro690Ala (NM_001261406.2, NM_001261407.2, NM_001330637.2 and 14 more transcripts); short protein forms P690A.
Identifiers: ClinVar variation 1404707 (VCV001404707.6), dbSNP rs764453158, ClinGen allele CA4987572.